The following is an entry in ClinVar:

NM_016507.4(CDK12):c.4168C>G (p.Gln1390Glu)

Gene: CDK12 (cyclin dependent kinase 12; plus strand). Cytogenetic location: 17q12.
Variant type: single nucleotide variant.
Coding change: c.4168C>G on transcript NM_016507.4 (MANE Select); coding-DNA position 4168, C replaced by G.
Protein change: p.Gln1390Glu; replaces glutamine 1390 with glutamic acid.
Molecular consequence: missense variant.
Genome position (GRCh38, 1-based): chr17:39,531,011, C>G. VCF-style: chr17-39531011-C-G. GRCh37 (hg19) VCF-style: chr17-37687264-C-G.
Other names: c.4141C>G, p.Gln1381Glu (NM_015083.4); short protein forms Q1381E, Q1390E.
Identifiers: ClinVar variation 4868450 (VCV004868450.1).
Genomic context (GRCh38, chr17:39,531,011, plus strand): 5'-CTGGTGAAGAACAGGACCTTCTCAGGCTCTCTGAGCCACCTTGGGGAGTCCAGCAGTTAC[C>G]AGGGCACAGGGTCAGTGCAGTTTCCAGGGGACCAGGACCTCCGTTTTGCCAGGGTCCCCT-3'
Protein context (NP_057591.2, residues 1380-1400): LSHLGESSSY[Gln1390Glu]GTGSVQFPGD

ClinVar aggregate classification (germline): Uncertain significance (1 of 4 stars; one submission).

gnomAD v4.1: 1 of 1,614,172 alleles (0.000062%); highest among the groups gnomAD compares: Non-Finnish European, 0.000085%; no homozygotes.

Submission:

Ambry Genetics
Classification: Uncertain significance. Last evaluated: 2026-03-20. Review status: criteria provided, single submitter. Criteria: Ambry Variant Classification Scheme 2023. Collection method: clinical testing. Allele origin: germline.
Comment: The p.Q1390E variant (also known as c.4168C>G), located in coding exon 14 of the CDK12 gene, results from a C to G substitution at nucleotide position 4168. The glutamine at codon 1390 is replaced by glutamic acid, an amino acid with highly similar properties. This amino acid position is conserved. In addition, the in silico prediction for this alteration is inconclusive. Based on the available evidence, the clinical significance of this variant remains unclear.